The following is an entry in ClinVar:

NM_000059.4(BRCA2):c.9257-2A>T

Gene: BRCA2 (BRCA2 DNA repair associated; plus strand). Cytogenetic location: 13q13.1.
Variant type: single nucleotide variant.
Coding change: c.9257-2A>T on transcript NM_000059.4 (MANE Select); the canonical splice acceptor site of the intron before coding-DNA position 9257, A replaced by T.
Molecular consequence: splice acceptor variant.
Genome position (GRCh38, 1-based): chr13:32,394,687, A>T. VCF-style: chr13-32394687-A-T. GRCh37 (hg19) VCF-style: chr13-32968824-A-T.
Other names: c.9206-2A>T (NM_001406720.1); c.9161-2A>T (NM_001406719.1); c.4325-2A>T (NM_001406721.1); c.2840-2A>T (NM_001406722.1).
Identifiers: ClinVar variation 1451289 (VCV001451289.6), dbSNP rs886040954, ClinGen allele CA387760702.

ClinVar aggregate classification (germline): Pathogenic (1 of 4 stars; one submission).

Conditions:
Hereditary breast ovarian cancer syndrome. Also called: BRCA1- and BRCA2-Associated Hereditary Breast and Ovarian Cancer; Hereditary breast and ovarian cancer; Hereditary breast and ovarian cancer syndrome (HBOC); Hereditary breast and/or ovarian cancer syndrome; Hereditary breast and ovarian cancer syndrome; Breast and ovarian cancer. Identifiers: Orphanet 145, MedGen C0677776, MeSH D061325, MONDO:0003582. Disease mechanism: loss of function.

Submission:

Labcorp Genetics (formerly Invitae), Labcorp
Classification: Pathogenic for Hereditary breast ovarian cancer syndrome. Last evaluated: 2021-09-09. Review status: criteria provided, single submitter. Criteria: Invitae Variant Classification Sherloc (09022015). Collection method: clinical testing. Allele origin: germline.
Comment: For these reasons, this variant has been classified as Pathogenic. Algorithms developed to predict the effect of sequence changes on RNA splicing suggest that this variant may disrupt the consensus splice site. Disruption of this splice site has been observed in individual(s) with breast and/or ovarian cancer (Invitae). It has also been observed to segregate with disease in related individuals. This variant is not present in population databases (ExAC no frequency). This sequence change affects an acceptor splice site in intron 24 of the BRCA2 gene. It is expected to disrupt RNA splicing. Variants that disrupt the donor or acceptor splice site typically lead to a loss of protein function (PMID: 16199547), and loss-of-function variants in BRCA2 are known to be pathogenic (PMID: 20104584).

Literature cited by the submitters: PubMed 16199547; PubMed 20104584.